The following is an entry in ClinVar:

ClinVar aggregate classification (germline): Pathogenic (1 of 4 stars; one submission).

Submission:

CeGaT Center for Human Genetics Tuebingen
Classification: Pathogenic. Last evaluated: 2024-12-01. Review status: criteria provided, single submitter. Criteria: CeGaT Center For Human Genetics Tuebingen Variant Classification Criteria Version 2. Collection method: clinical testing. Allele origin: germline. Affected: yes. Observed: 1 variant allele.
Comment: PYGL: PVS1, PM2

NM_002863.5(PYGL):c.702C>G (p.Tyr234Ter)

Gene: PYGL (glycogen phosphorylase L; minus strand). Cytogenetic location: 14q22.1.
Variant type: single nucleotide variant.
Coding change: c.702C>G on transcript NM_002863.5 (MANE Select); coding-DNA position 702, C replaced by G.
Protein change: p.Tyr234Ter; replaces tyrosine 234 with a stop codon.
Molecular consequence: nonsense.
Genome position (GRCh38, 1-based): chr14:50,921,026, G>C on the plus strand (C>G on the coding strand, the complement: PYGL is on the minus strand). VCF-style: chr14-50921026-G-C. GRCh37 (hg19) VCF-style: chr14-51387744-G-C.
Other names: c.600C>G, p.Tyr200Ter (NM_001163940.2); short protein forms Y200*, Y234*.
Identifiers: ClinVar variation 3772160 (VCV003772160.13).